The following is an entry in ClinVar:

ClinVar aggregate classification (germline): Uncertain significance (1 of 4 stars; one submission).

Conditions:
Developmental and epileptic encephalopathy, 11 (DEE11). Also called: Early infantile epileptic encephalopathy 11. Identifiers: Orphanet 1934, MedGen C3150987, MONDO:0013388, OMIM 613721.
Seizures, benign familial infantile, 3 (BFIS3). Also called: CONVULSIONS, BENIGN FAMILIAL INFANTILE, 3; Familial neonatal seizures. Identifiers: Orphanet 140927, Orphanet 306, MedGen C1843140, MONDO:0011904, OMIM 607745.

Submission:

Labcorp Genetics (formerly Invitae), Labcorp
Classification: Uncertain significance for Seizures, benign familial infantile, 3; Developmental and epileptic encephalopathy, 11. Last evaluated: 2025-03-25. Review status: criteria provided, single submitter. Criteria: Invitae Variant Classification Sherloc (09022015). Collection method: clinical testing. Allele origin: germline.
Comment: This sequence change replaces isoleucine, which is neutral and non-polar, with valine, which is neutral and non-polar, at codon 1603 of the SCN2A protein (p.Ile1603Val). This variant is not present in population databases (gnomAD no frequency). This variant has not been reported in the literature in individuals affected with SCN2A-related conditions. Invitae Evidence Modeling of protein sequence and biophysical properties (such as structural, functional, and spatial information, amino acid conservation, physicochemical variation, residue mobility, and thermodynamic stability) has been performed for this missense variant. However, the output from this modeling did not meet the statistical confidence thresholds required to predict the impact of this variant on SCN2A protein function. In summary, the available evidence is currently insufficient to determine the role of this variant in disease. Therefore, it has been classified as a Variant of Uncertain Significance.

NM_001040142.2(SCN2A):c.4807A>G (p.Ile1603Val)

Gene: SCN2A (sodium voltage-gated channel alpha subunit 2; plus strand). Cytogenetic location: 2q24.3.
Variant type: single nucleotide variant.
Coding change: c.4807A>G on transcript NM_001040142.2 (MANE Select); coding-DNA position 4807, A replaced by G.
Protein change: p.Ile1603Val; replaces isoleucine 1603 with valine.
Molecular consequence: missense variant.
Genome position (GRCh38, 1-based): chr2:165,387,001, A>G. VCF-style: chr2-165387001-A-G. GRCh37 (hg19) VCF-style: chr2-166243511-A-G.
Other names: c.4807A>G, p.Ile1603Val (NM_001040143.2, NM_001371246.1, NM_001371247.1 and 1 more transcripts); short protein forms I1603V.
Identifiers: ClinVar variation 4783613 (VCV004783613.1).
Genomic context (GRCh38, chr2:165,387,001, plus strand): 5'-ATCTCTCTTCGTTACTACTATTTCACTATTGGATGGAATATTTTTGATTTTGTGGTGGTC[A>G]TTCTCTCCATTGTAGGTAAGAAGAGGTGCTTTTATTCAGTTAAGGAATATAGTGGTAAAA-3'
Protein context (NP_001035232.1, residues 1593-1613): GWNIFDFVVV[Ile1603Val]LSIVGMFLAE